The following is an entry in ClinVar:

ClinVar aggregate classification (germline): Likely benign (1 of 4 stars; one submission).

Conditions:
beta Thalassemia (BTHAL). Also called: Cooley's anemia; Erythroblastic anemia; Mediterranean anemia. Identifiers: Orphanet 848, MedGen C0005283, MONDO:0019402. Disease mechanism: loss of function.

Allele frequency attached by ClinVar (database versions not stated): TOPMed 0.00003; gnomAD 0.00002.
gnomAD v4.1: 3 of 737,834 alleles (0.00041%); highest among the groups gnomAD compares: African/African-American, 0.0053%; no homozygotes.

Submission:

Women's Health and Genetics/Laboratory Corporation of America, LabCorp
Classification: Likely benign for Beta Thalassemia. Last evaluated: 2011-08-18. Review status: criteria provided, single submitter. Criteria: LabCorp Variant Classification Summary - May 2015. Collection method: curation, clinical testing. Allele origin: germline. Inheritance: autosomal unknown. Affected: yes.
ClinVar note: Converted during submission from likely benign to Likely benign.

NM_000518.5(HBB):c.316-150C>G

Genes: HBB (hemoglobin subunit beta; minus strand), LOC107133510 (origin of replication at HBB; plus strand), LOC110006319 (beta-globin gene 3' regulatory region; plus strand). Cytogenetic location: 11p15.4.
Variant type: single nucleotide variant.
Coding change: c.316-150C>G on transcript NM_000518.5 (MANE Select); 150 bases into the intron before coding-DNA position 316, C replaced by G.
Molecular consequence: intron variant.
Genome position (GRCh38, 1-based): chr11:5,225,876, G>C on the plus strand (C>G on the coding strand, the complement: HBB is on the minus strand). VCF-style: chr11-5225876-G-C. GRCh37 (hg19) VCF-style: chr11-5247106-G-C.
Identifiers: ClinVar variation 36314 (VCV000036314.4), dbSNP rs193922556, ClinGen allele CA342859.